The following is an entry in ClinVar:

ClinVar aggregate classification (germline): Likely pathogenic (1 of 4 stars; one submission).

Conditions:
Intellectual developmental disorder with seizures and language delay (IDDSELD). Identifiers: MedGen C5436574, MONDO:0033559, OMIM 619000.

Submission:

Institute of Human Genetics, University of Leipzig Medical Center
Classification: Likely pathogenic for Intellectual developmental disorder with seizures and language delay. Last evaluated: 2022-12-14. Review status: criteria provided, single submitter. Criteria: ACMG Guidelines, 2015. Collection method: clinical testing. Allele origin: unknown. Affected: yes.
Comment: _x000D_ Criteria applied: PVS1, PM2_SUP

NM_001353345.2(SETD1B):c.3595del (p.Glu1199fs)

Gene: SETD1B (SET domain containing 1B, histone lysine methyltransferase; plus strand). Cytogenetic location: 12q24.31.
Variant type: Deletion.
Coding change: c.3595del on transcript NM_001353345.2 (MANE Select); coding-DNA position 3595, one base deleted (G; older notation c.3595delG).
Protein change: p.Glu1199fs; shifts the reading frame from glutamic acid 1199.
Molecular consequence: frameshift variant.
Genome position (GRCh38, 1-based): chr12:121,819,580, G deleted; the last of 2 consecutive G bases (chr12:121,819,579-121,819,580); deleting either gives the same sequence. VCF-style (leftmost placement, unchanged base first): chr12-121819578-AG-A. GRCh37 (hg19) VCF-style: chr12-122257484-AG-A.
Other names: short protein forms E1199fs.
Identifiers: ClinVar variation 1804117 (VCV001804117.1), dbSNP rs2500221145, ClinGen allele CA2580085902.